The following is an entry in ClinVar:

ClinVar aggregate classification (germline): Uncertain significance. Review status: criteria provided, multiple submitters, no conflicts (2 of 4 stars). 2 submissions from 2 submitters: Uncertain significance (2). Last evaluated 2025-10-27.

Conditions:
Polyglandular autoimmune syndrome, type 1 (APS1). Also called: AUTOIMMUNE POLYENDOCRINE SYNDROME, TYPE I, WITH OR WITHOUT REVERSIBLE METAPHYSEAL DYSPLASIA; APS I; HYPOADRENOCORTICISM WITH HYPOPARATHYROIDISM AND SUPERFICIAL MONILIASIS; PGA I; Autoimmune polyendocrine syndrome type 1; Whitaker syndrome. Identifiers: Orphanet 3453, MedGen C0085859, MONDO:0009411, OMIM 240300.

gnomAD v4.1: 7 of 1,580,730 alleles (0.00044%); highest among the groups gnomAD compares: Non-Finnish European, 0.0006%; no homozygotes.

Submissions (2):

Labcorp Genetics (formerly Invitae), Labcorp
Classification: Uncertain significance for Polyglandular autoimmune syndrome, type 1. Last evaluated: 2025-10-27. Review status: criteria provided, single submitter. Criteria: Invitae Variant Classification Sherloc (09022015). Collection method: clinical testing. Allele origin: germline.
Comment: This sequence change replaces leucine, which is neutral and non-polar, with valine, which is neutral and non-polar, at codon 417 of the AIRE protein (p.Leu417Val). This variant is not present in population databases (gnomAD no frequency). This variant has not been reported in the literature in individuals affected with AIRE-related conditions. Invitae Evidence Modeling of protein sequence and biophysical properties (such as structural, functional, and spatial information, amino acid conservation, physicochemical variation, residue mobility, and thermodynamic stability) has been performed for this missense variant. However, the output from this modeling did not meet the statistical confidence thresholds required to predict the impact of this variant on AIRE protein function. In summary, the available evidence is currently insufficient to determine the role of this variant in disease. Therefore, it has been classified as a Variant of Uncertain Significance.

Blueprint Genetics
Classification: Uncertain significance. Last evaluated: 2023-11-23. Review status: criteria provided, single submitter. Criteria: ACMG Guidelines, 2015. Collection method: clinical testing. Allele origin: germline.

NM_000383.4(AIRE):c.1249C>G (p.Leu417Val)

Gene: AIRE (autoimmune regulator; plus strand). Cytogenetic location: 21q22.3.
Variant type: single nucleotide variant.
Coding change: c.1249C>G on transcript NM_000383.4 (MANE Select); coding-DNA position 1249, C replaced by G.
Protein change: p.Leu417Val; replaces leucine 417 with valine.
Molecular consequence: missense variant.
Genome position (GRCh38, 1-based): chr21:44,293,146, C>G. VCF-style: chr21-44293146-C-G. GRCh37 (hg19) VCF-style: chr21-45713029-C-G.
Other names: short protein forms L417V.
Identifiers: ClinVar variation 4737457 (VCV004737457.2).
Genomic context (GRCh38, chr21:44,293,146, plus strand): 5'-CTGCCGGCTCCGCCTTCTGCAGCCCCGCTGCCAGGGCTGGACTCCTCGGCCCTGCACCCC[C>G]TACTGTGTGTGGGTCCTGAGGGTCAGCAGGTGAGCGGGGAGTGGGGGTCAGGGTGGGCTC-3'
Protein context (NP_000374.1, residues 407-427): PGLDSSALHP[Leu417Val]LCVGPEGQQN